The following is an entry in ClinVar:

NM_001130823.3(DNMT1):c.2668G>T (p.Ala890Ser)

Gene: DNMT1 (DNA methyltransferase 1; minus strand). Cytogenetic location: 19p13.2.
Variant type: single nucleotide variant.
Coding change: c.2668G>T on transcript NM_001130823.3 (MANE Select); coding-DNA position 2668, G replaced by T.
Protein change: p.Ala890Ser; replaces alanine 890 with serine.
Molecular consequence: missense variant.
Genome position (GRCh38, 1-based): chr19:10,148,936, C>A on the plus strand (G>T on the coding strand, the complement: DNMT1 is on the minus strand). VCF-style: chr19-10148936-C-A. GRCh37 (hg19) VCF-style: chr19-10259612-C-A.
Other names: c.2620G>T, p.Ala874Ser (NM_001318730.2, NM_001379.4); c.2305G>T, p.Ala769Ser (NM_001318731.2); short protein forms A769S, A874S, A890S.
Identifiers: ClinVar variation 2089289 (VCV002089289.4), dbSNP rs2513805607, ClinGen allele CA403926319.

ClinVar aggregate classification (germline): Uncertain significance (1 of 4 stars; one submission).

Conditions:
Hereditary sensory neuropathy-deafness-dementia syndrome. Also called: Hereditary Sensory and Autonomic Neuropathy Type 1E (HSAN1E); NEUROPATHY, HEREDITARY SENSORY, WITH HEARING LOSS AND DEMENTIA; HSN IE; Hereditary sensory neuropathy type IE. Identifiers: Orphanet 456318, MedGen C3279885, MONDO:0013584, OMIM 614116.

Submission:

Labcorp Genetics (formerly Invitae), Labcorp
Classification: Uncertain significance for Hereditary sensory neuropathy-deafness-dementia syndrome. Last evaluated: 2022-01-23. Review status: criteria provided, single submitter. Criteria: Invitae Variant Classification Sherloc (09022015). Collection method: clinical testing. Allele origin: germline.
Comment: Algorithms developed to predict the effect of missense changes on protein structure and function are either unavailable or do not agree on the potential impact of this missense change (SIFT: "Deleterious"; PolyPhen-2: "Possibly Damaging"; Align-GVGD: "Class C0"). In summary, the available evidence is currently insufficient to determine the role of this variant in disease. Therefore, it has been classified as a Variant of Uncertain Significance. This variant has not been reported in the literature in individuals affected with DNMT1-related conditions. This variant is not present in population databases (gnomAD no frequency). This sequence change replaces alanine, which is neutral and non-polar, with serine, which is neutral and polar, at codon 890 of the DNMT1 protein (p.Ala890Ser).